The following is an entry in ClinVar:

NM_000751.3(CHRND):c.34G>A (p.Ala12Thr)

Gene: CHRND (cholinergic receptor nicotinic delta subunit; plus strand). Cytogenetic location: 2q37.1.
Variant type: single nucleotide variant.
Coding change: c.34G>A on transcript NM_000751.3 (MANE Select); coding-DNA position 34, G replaced by A.
Protein change: p.Ala12Thr; replaces alanine 12 with threonine.
Molecular consequence: missense variant. On other transcripts: 5 prime UTR variant (2).
Genome position (GRCh38, 1-based): chr2:232,526,249, G>A. VCF-style: chr2-232526249-G-A. GRCh37 (hg19) VCF-style: chr2-233390959-G-A.
Other names: c.34G>A, p.Ala12Thr (NM_001256657.2); c.-238G>A (NM_001311195.2, NM_001311196.2); short protein forms A12T.
Identifiers: ClinVar variation 1035109 (VCV001035109.8), dbSNP rs1691456942, ClinGen allele CA350995717.

ClinVar aggregate classification (germline): Uncertain significance (1 of 4 stars; one submission).

Conditions:
Lethal multiple pterygium syndrome (LMPS). Identifiers: Orphanet 33108, MedGen C1854678, MONDO:0009668, OMIM 253290.

Allele frequency attached by ClinVar (database versions not stated): TOPMed below 0.00001.

Submission:

Labcorp Genetics (formerly Invitae), Labcorp
Classification: Uncertain significance for Lethal multiple pterygium syndrome. Last evaluated: 2022-10-13. Review status: criteria provided, single submitter. Criteria: Invitae Variant Classification Sherloc (09022015). Collection method: clinical testing. Allele origin: germline.
Comment: This sequence change replaces alanine, which is neutral and non-polar, with threonine, which is neutral and polar, at codon 12 of the CHRND protein (p.Ala12Thr). This variant is not present in population databases (gnomAD no frequency). This variant has not been reported in the literature in individuals affected with CHRND-related conditions. ClinVar contains an entry for this variant (Variation ID: 1035109). Advanced modeling of protein sequence and biophysical properties (such as structural, functional, and spatial information, amino acid conservation, physicochemical variation, residue mobility, and thermodynamic stability) performed at Invitae indicates that this missense variant is not expected to disrupt CHRND protein function. In summary, the available evidence is currently insufficient to determine the role of this variant in disease. Therefore, it has been classified as a Variant of Uncertain Significance.